The following is an entry in ClinVar:

ClinVar aggregate classification (germline): Uncertain significance (1 of 4 stars; one submission).

Submission:

ARUP Laboratories, Molecular Genetics and Genomics, ARUP Laboratories
Classification: Uncertain significance. Last evaluated: 2024-01-29. Review status: criteria provided, single submitter. Criteria: ARUP Molecular Germline Variant Investigation Process 2024. Collection method: clinical testing. Allele origin: germline.
Comment: The FLNB c.4207G>C; p.Gly1403Arg variant, to our knowledge, is not reported in the medical literature or gene specific databases. This variant is absent from the Genome Aggregation Database (v2.1.1), indicating it is not a common polymorphism. Computational analyses predict that this variant is deleterious (REVEL: 0.921). Due to limited information, the clinical significance of this variant is uncertain at this time.

NM_001457.4(FLNB):c.4207G>C (p.Gly1403Arg)

Gene: FLNB (filamin B; plus strand). Cytogenetic location: 3p14.3.
Variant type: single nucleotide variant.
Coding change: c.4207G>C on transcript NM_001457.4 (MANE Select); coding-DNA position 4207, G replaced by C.
Protein change: p.Gly1403Arg; replaces glycine 1403 with arginine.
Molecular consequence: missense variant.
Genome position (GRCh38, 1-based): chr3:58,126,747, G>C. VCF-style: chr3-58126747-G-C. GRCh37 (hg19) VCF-style: chr3-58112474-G-C.
Other names: c.4207G>C, p.Gly1403Arg (NM_001164317.2, NM_001164318.2, NM_001164319.2); short protein forms G1403R.
Identifiers: ClinVar variation 3767064 (VCV003767064.1).